The following is an entry in ClinVar:

NM_000219.6(KCNE1):c.60A>T (p.Thr20=)

Gene: KCNE1 (potassium voltage-gated channel subfamily E regulatory subunit 1; minus strand). Cytogenetic location: 21q22.12.
Variant type: single nucleotide variant.
Coding change: c.60A>T on transcript NM_000219.6 (MANE Select); coding-DNA position 60, A replaced by T.
Protein change: p.Thr20=; no amino-acid change (threonine 20 retained).
Molecular consequence: synonymous variant.
Genome position (GRCh38, 1-based): chr21:34,449,575, T>A on the plus strand (A>T on the coding strand, the complement: KCNE1 is on the minus strand). VCF-style: chr21-34449575-T-A. GRCh37 (hg19) VCF-style: chr21-35821873-T-A.
Other names: c.60A>T, p.Thr20= (NM_001127668.4, NM_001127669.4, NM_001127670.4 and 4 more transcripts).
Identifiers: ClinVar variation 3373937 (VCV003373937.2).

Conditions:
Long QT syndrome 5 (LQT5). Identifiers: Orphanet 101016, Orphanet 768, MedGen C1867904, MONDO:0013372, OMIM 613695.

Submission:

Roden Lab, Vanderbilt University Medical Center
No classification provided (evidence only). Condition: Long QT syndrome 5. Review status: no classification provided. Collection method: in vitro. Allele origin: not applicable. Functional consequence: Effect on ion channel function.
ClinVar note: "not provided" was previously submitted as the classification for the variant. However, the classification appeared to be based only on an observation of functional data so it was converted to no classification on 2025-07-30.